The following is an entry in ClinVar:

NM_000059.4(BRCA2):c.8085del (p.Ser2695_Leu2696insTer)

Gene: BRCA2 (BRCA2 DNA repair associated; plus strand). Cytogenetic location: 13q13.1.
Variant type: Deletion.
Coding change: c.8085del on transcript NM_000059.4 (MANE Select); coding-DNA position 8085, one base deleted (A; older notation c.8085delA).
Protein change: p.Ser2695_Leu2696insTer.
Molecular consequence: frameshift variant. On other transcripts: non-coding transcript variant (1).
Genome position (GRCh38, 1-based): chr13:32,363,287, A deleted. VCF-style (leftmost placement, unchanged base first): chr13-32363286-CA-C. GRCh37 (hg19) VCF-style: chr13-32937423-CA-C.
Other names: c.7989del, p.Ser2663_Leu2664insTer (NM_001406719.1); c.8085del, p.Ser2695_Leu2696insTer (NM_001406720.1); c.3153del, p.Ser1051_Leu1052insTer (NM_001406721.1); c.1668del, p.Ser556_Leu557insTer (NM_001406722.1).
Identifiers: ClinVar variation 3236852 (VCV003236852.2), dbSNP rs2548546368.
Genomic context (GRCh38, chr13:32,363,286, plus strand): 5'-TAATGGAAAGGGATGACACAGCTGCAAAAACACTTGTTCTCTGTGTTTCTGACATAATTT[CA>C]TTGAGCGCAAATATATCTGAAACTTCTAGCAATAAAACTAGTAGTGCAGATACCCAAAAA-3'

ClinVar aggregate classification (germline): Pathogenic. Review status: criteria provided, multiple submitters, no conflicts (2 of 4 stars). 2 submissions from 2 submitters: Pathogenic (2). Last evaluated 2024-03-28.

Conditions:
Hereditary breast ovarian cancer syndrome. Also called: Hereditary breast and ovarian cancer syndrome; Hereditary breast and ovarian cancer; Hereditary breast and ovarian cancer syndrome (HBOC); Breast and ovarian cancer; Hereditary breast and/or ovarian cancer syndrome; BRCA1- and BRCA2-Associated Hereditary Breast and Ovarian Cancer. Identifiers: Orphanet 145, MedGen C0677776, MeSH D061325, MONDO:0003582. Disease mechanism: loss of function.
BRCA2-related cancer predisposition. Identifiers: MedGen CN377758, MONDO:0700269.

Submissions (2):

All of Us Research Program, National Institutes of Health
Classification: Pathogenic for BRCA2-related cancer predisposition. Last evaluated: 2024-03-28. Review status: criteria provided, single submitter. Criteria: ACMG Guidelines, 2015. Collection method: clinical testing. Allele origin: germline. Inheritance: Autosomal dominant inheritance. Observed: 1 variant allele, 1 heterozygote.
Comment: The c.8085del (p.Leu2696*) variant in the BRCA2 gene is located on the exon 18 and introduces a premature translation termination codon (p.Leu2696*), resulting in an absent or disrupted protein product. This variant has not be reported in literature in affected individuals. Other protein termination codons located upstream and downstream to this position in the same exon (p.Ser2670*, p.Trp2725*) have been interpreted as pathogenic (ClinVar ID: 52470, 52519). An alternative variant leading to truncation of the protein at the same amino acid position (c.8087T>A, p.Leu2696*) has been identified in an individual with breast cancer (PMID: 35261632, ClinVar ID: 52501). Loss-of-function variants in BRCA2 gene are known to be pathogenic (PMID: 8988179, 11897832, 29446198). This variant is absent in ClinVar and the general population database (gnomAD). Based on this evidence, the c.8085del (p.Leu2696*) variant in the BRCA2 gene has been classified as pathogenic.

This study involves interpretation of variants in research participants for the purpose of population health screening. Participant phenotype was not available at the time of variant classification. Additional details can be found in publication PMID: 35346344, PMCID: PMC8962531

Human Genome Sequencing Center Clinical Lab, Baylor College of Medicine
Classification: Pathogenic for hereditary breast and ovarian cancer syndrome. Last evaluated: 2021-08-04. Review status: criteria provided, single submitter. Criteria: ACMG Guidelines, 2015. Collection method: clinical testing. Allele origin: unknown.

Literature cited by the submitters: PubMed 8988179 (cited by All of Us Research Program, National Institutes of Health); PubMed 11897832 (cited by All of Us Research Program, National Institutes of Health); PubMed 29446198 (cited by All of Us Research Program, National Institutes of Health); PubMed 35261632 (cited by All of Us Research Program, National Institutes of Health).